The following is an entry in ClinVar:

NM_172107.4(KCNQ2):c.1123C>G (p.Gln375Glu)

Gene: KCNQ2 (potassium voltage-gated channel subfamily Q member 2; minus strand). Cytogenetic location: 20q13.33.
Variant type: single nucleotide variant.
Coding change: c.1123C>G on transcript NM_172107.4 (MANE Select); coding-DNA position 1123, C replaced by G.
Protein change: p.Gln375Glu; replaces glutamine 375 with glutamic acid.
Molecular consequence: missense variant. On other transcripts: intron variant (1).
Genome position (GRCh38, 1-based): chr20:63,431,365, G>C on the plus strand (C>G on the coding strand, the complement: KCNQ2 is on the minus strand). VCF-style: chr20-63431365-G-C. GRCh37 (hg19) VCF-style: chr20-62062718-G-C.
Other names: c.1123C>G, p.Gln375Glu (NM_001382235.1, NM_172106.3, NM_172108.5); c.1118+2444C>G (NM_004518.6); short protein forms Q375E.
Identifiers: ClinVar variation 2573136 (VCV002573136.4), dbSNP rs756360226, ClinGen allele CA9958599.

ClinVar aggregate classification (germline): Uncertain significance (1 of 4 stars; one submission).

Conditions:
Early-infantile DEE. Also called: Early infantile epileptic encephalopathy; Early infantile epileptic encephalopathy with suppression bursts; Ohtahara syndrome. Identifiers: Orphanet 1934, MedGen C0393706, MONDO:0800491.

Allele frequency attached by ClinVar (database versions not stated): gnomAD exomes below 0.00001; ExAC 0.00001; TOPMed 0.00001; gnomAD 0.00003.
gnomAD v4.1: 6 of 1,613,702 alleles (0.00037%); highest among the groups gnomAD compares: African/African-American, 0.0013%; no homozygotes.

Submissions (7):

Labcorp Genetics (formerly Invitae), Labcorp
Classification: Uncertain significance for Early-infantile DEE. Last evaluated: 2025-05-07. Review status: criteria provided, single submitter. Criteria: Invitae Variant Classification Sherloc (09022015). Collection method: clinical testing. Allele origin: germline.
Comment: This sequence change replaces glutamine, which is neutral and polar, with glutamic acid, which is acidic and polar, at codon 375 of the KCNQ2 protein (p.Gln375Glu). This variant is present in population databases (rs756360226, gnomAD 0.004%). This variant has not been reported in the literature in individuals affected with KCNQ2-related conditions. ClinVar contains an entry for this variant (Variation ID: 2573136). Invitae Evidence Modeling of protein sequence and biophysical properties (such as structural, functional, and spatial information, amino acid conservation, physicochemical variation, residue mobility, and thermodynamic stability) has been performed for this missense variant. However, the output from this modeling did not meet the statistical confidence thresholds required to predict the impact of this variant on KCNQ2 protein function. Experimental studies have shown that this missense change affects KCNQ2 function (PMID: 35104249). In summary, the available evidence is currently insufficient to determine the role of this variant in disease. Therefore, it has been classified as a Variant of Uncertain Significance.

Channelopathy-Associated Epilepsy Research Center
No classification provided (evidence only). Condition: Complex neurodevelopmental disorder. Review status: no classification provided. Collection method: literature only. Allele origin: not applicable. Functional consequence: Mild decrease in peak current, Severe slowing of activation, Normal voltage dependence of activation. Not counted in ClinVar's aggregate classification.
ClinVar note: "not provided" was previously submitted as the classification for the variant. However, the classification appeared to be based only on an observation of functional data so it was converted to no classification on 2025-07-30.

Channelopathy-Associated Epilepsy Research Center
No classification provided (evidence only). Review status: no classification provided. Collection method: in vitro. Allele origin: not applicable. Functional consequence: Normal peak current. Not counted in ClinVar's aggregate classification.

Channelopathy-Associated Epilepsy Research Center
No classification provided (evidence only). Review status: no classification provided. Collection method: in vitro. Allele origin: not applicable. Functional consequence: Normal peak current. Not counted in ClinVar's aggregate classification.

Channelopathy-Associated Epilepsy Research Center
No classification provided (evidence only). Review status: no classification provided. Collection method: in vitro. Allele origin: not applicable. Functional consequence: Normal voltage dependence of activation. Not counted in ClinVar's aggregate classification.

Channelopathy-Associated Epilepsy Research Center
No classification provided (evidence only). Review status: no classification provided. Collection method: in vitro. Allele origin: not applicable. Functional consequence: Normal slope of activation. Not counted in ClinVar's aggregate classification.

Channelopathy-Associated Epilepsy Research Center
No classification provided (evidence only). Review status: no classification provided. Collection method: in vitro. Allele origin: not applicable. Functional consequence: Normal rate of activation. Not counted in ClinVar's aggregate classification.

Literature cited by the submitters: PubMed 35104249 (cited by Labcorp Genetics (formerly Invitae), Labcorp and Channelopathy-Associated Epilepsy Research Center).